The following is an entry in ClinVar:

NM_001394998.1(TANC2):c.2999C>T (p.Ala1000Val)

Genes: TANC2 (tetratricopeptide repeat, ankyrin repeat and coiled-coil containing 2; plus strand), LOC105371856 (uncharacterized LOC105371856; minus strand). Cytogenetic location: 17q23.3.
Variant type: single nucleotide variant.
Coding change: c.2999C>T on transcript NM_001394998.1 (MANE Select); coding-DNA position 2999, C replaced by T.
Protein change: p.Ala1000Val; replaces alanine 1000 with valine.
Molecular consequence: missense variant.
Genome position (GRCh38, 1-based): chr17:63,389,492, C>T. VCF-style: chr17-63389492-C-T. GRCh37 (hg19) VCF-style: chr17-61466853-C-T.
Other names: c.2777C>T, p.Ala926Val (NM_001411076.1, NM_025185.4); short protein forms A1000V, A926V.
Identifiers: ClinVar variation 3906417 (VCV003906417.1).
Genomic context (GRCh38, chr17:63,389,492, plus strand): 5'-AGTTCGGGGCCAACGTGGATGCCTCTTCTGAAAGTGGCCTGACTCCCCTGGGATATGCTG[C>T]AGCAGCAGGGTACCTGAGCATTGTGGTGCTGCTGTGCAAGAAACGGGCCAAGGTACTGGC-3'
Protein context (NP_001381927.1, residues 990-1010): ESGLTPLGYA[Ala1000Val]AAGYLSIVVL

ClinVar aggregate classification (germline): Uncertain significance (1 of 4 stars; one submission).

Submission:

GeneDx
Classification: Uncertain significance. Last evaluated: 2024-12-21. Review status: criteria provided, single submitter. Criteria: GeneDx Variant Classification Process June 2021. Collection method: clinical testing. Allele origin: germline. Affected: yes.
Comment: Not observed at significant frequency in large population cohorts (gnomAD); In silico analysis supports that this missense variant has a deleterious effect on protein structure/function; Has not been previously published as pathogenic or benign to our knowledge